The following is an entry in ClinVar:

NM_003872.3(NRP2):c.2425+9476T>A

Gene: NRP2 (neuropilin 2; plus strand). Cytogenetic location: 2q33.3.
Variant type: single nucleotide variant.
Coding change: c.2425+9476T>A on transcript NM_003872.3 (MANE Select); 9476 bases into the intron after coding-DNA position 2425, T replaced by A.
Molecular consequence: intron variant. On other transcripts: missense variant (2).
Genome position (GRCh38, 1-based): chr2:205,776,279, T>A. VCF-style: chr2-205776279-T-A. GRCh37 (hg19) VCF-style: chr2-206641003-T-A.
Other names: c.2474T>A, p.Val825Glu (NM_018534.4); c.2459T>A, p.Val820Glu (NM_201267.2); c.2440+9461T>A (NM_201266.2); c.2425+9476T>A (NM_201279.2); short protein forms V820E, V825E.
Identifiers: ClinVar variation 2634590 (VCV002634590.3), dbSNP rs144096502, ClinGen allele CA2069492.

ClinVar aggregate classification (germline): Uncertain significance (0 of 4 stars; one submission).

Conditions:
NRP2-related disorder. Also called: NRP2-related condition.

Allele frequency attached by ClinVar (database versions not stated): ExAC 0.00004; TOPMed 0.00008; gnomAD 0.00010; gnomAD exomes 0.00015; ESP Exome Variant Server 0.00023.
gnomAD v4.1: 243 of 1,607,818 alleles (0.015%); highest among the groups gnomAD compares: Non-Finnish European, 0.019%; no homozygotes.

Submission:

PreventionGenetics, part of Exact Sciences
Classification: Uncertain significance for NRP2-related condition. Last evaluated: 2024-03-13. Review status: no assertion criteria provided. Collection method: clinical testing. Allele origin: germline.
Comment: The NRP2 c.2459T>A variant is predicted to result in the amino acid substitution p.Val820Glu. To our knowledge, this variant has not been reported in the literature. This variant is reported in 0.013% of alleles in individuals of European (non-Finnish) descent in gnomAD. At this time, the clinical significance of this variant is uncertain due to the absence of conclusive functional and genetic evidence.